The following is an entry in ClinVar:

NM_001005242.3(PKP2):c.1925A>G (p.Tyr642Cys)

Gene: PKP2 (plakophilin 2; minus strand). Cytogenetic location: 12p11.21.
Variant type: single nucleotide variant.
Coding change: c.1925A>G on transcript NM_001005242.3 (MANE Select); coding-DNA position 1925, A replaced by G.
Protein change: p.Tyr642Cys; replaces tyrosine 642 with cysteine.
Molecular consequence: missense variant.
Genome position (GRCh38, 1-based): chr12:32,821,444, T>C on the plus strand (A>G on the coding strand, the complement: PKP2 is on the minus strand). VCF-style: chr12-32821444-T-C. GRCh37 (hg19) VCF-style: chr12-32974378-T-C.
Other names: c.2057A>G, p.Tyr686Cys (NM_004572.4); short protein forms Y686C, Y642C.
Identifiers: ClinVar variation 1038254 (VCV001038254.8), dbSNP rs1291783957, ClinGen allele CA384361818.
Genomic context (GRCh38, chr12:32,821,444, plus strand): 5'-AGAGCTCCTAAGGATGCTTCTTGTGTGTAGTTGCGGACACTTTTGGCGATCAAGGACAGA[T>C]ACATCCTTATAACAATGGAATGCCACAGCCACTCCACGCCCTTGGGGTTGCTCTTTTCCT-3'
Protein context (NP_001005242.2, residues 632-652): WLWHSIVIRM[Tyr642Cys]LSLIAKSVRN

ClinVar aggregate classification (germline): Uncertain significance (1 of 4 stars; one submission).

Conditions:
Arrhythmogenic right ventricular dysplasia 9 (ARVD9). Also called: Arrhythmogenic Right Ventricular Dysplasia/Cardiomyopathy 9; ARRHYTHMOGENIC RIGHT VENTRICULAR DYSPLASIA, FAMILIAL, 9. Identifiers: MedGen C1836906, MONDO:0012180, OMIM 609040.

Allele frequency attached by ClinVar (database versions not stated): gnomAD exomes below 0.00001.
gnomAD v4.1: 1 of 1,614,106 alleles (0.000062%); highest among the groups gnomAD compares: East Asian, 0.0022%; no homozygotes.

Submission:

Labcorp Genetics (formerly Invitae), Labcorp
Classification: Uncertain significance for Arrhythmogenic right ventricular dysplasia 9. Last evaluated: 2023-08-10. Review status: criteria provided, single submitter. Criteria: Invitae Variant Classification Sherloc (09022015). Collection method: clinical testing. Allele origin: germline.
Comment: In summary, the available evidence is currently insufficient to determine the role of this variant in disease. Therefore, it has been classified as a Variant of Uncertain Significance. This sequence change replaces tyrosine, which is neutral and polar, with cysteine, which is neutral and slightly polar, at codon 686 of the PKP2 protein (p.Tyr686Cys). This variant is present in population databases (no rsID available, gnomAD 0.006%). This variant has not been reported in the literature in individuals affected with PKP2-related conditions. ClinVar contains an entry for this variant (Variation ID: 1038254). An algorithm developed to predict the effect of missense changes on protein structure and function (PolyPhen-2) suggests that this variant is likely to be disruptive.